The following is an entry in ClinVar:

ClinVar aggregate classification (germline): Uncertain significance (1 of 4 stars; one submission).

Conditions:
Familial renal glucosuria (GLYS). Also called: RENAL GLUCOSURIA, AUTOSOMAL DOMINANT; Familial renal glycosuria. Identifiers: Orphanet 69076, MedGen C3245525, MONDO:0009297, OMIM 233100.

gnomAD v4.1: 7 of 1,611,238 alleles (0.00043%); highest among the groups gnomAD compares: South Asian, 0.0066%; no homozygotes.

Submission:

MVZ Medizinische Genetik Mainz
Classification: Uncertain significance for Familial renal glucosuria. Last evaluated: 2024-05-13. Review status: criteria provided, single submitter. Criteria: UK Practice Guidelines For Variant Classification V4 01 2020. Collection method: clinical testing. Allele origin: germline. Inheritance: Autosomal dominant inheritance. Affected: yes. Observed: 1 variant allele.
Comment: ACMG Criteria: PM2_SUP,PP4

NM_003041.4(SLC5A2):c.1023C>G (p.Asp341Glu)

Gene: SLC5A2 (solute carrier family 5 member 2; plus strand). Cytogenetic location: 16p11.2.
Variant type: single nucleotide variant.
Coding change: c.1023C>G on transcript NM_003041.4 (MANE Select); coding-DNA position 1023, C replaced by G.
Protein change: p.Asp341Glu; replaces aspartic acid 341 with glutamic acid.
Molecular consequence: missense variant. On other transcripts: non-coding transcript variant (1).
Genome position (GRCh38, 1-based): chr16:31,488,384, C>G. VCF-style: chr16-31488384-C-G. GRCh37 (hg19) VCF-style: chr16-31499705-C-G.
Other names: short protein forms D341E.
Identifiers: ClinVar variation 3256903 (VCV003256903.1).